The following is an entry in ClinVar:

NM_001122630.2(CDKN1C):c.137A>G (p.Asp46Gly)

Gene: CDKN1C (cyclin dependent kinase inhibitor 1C; minus strand). Cytogenetic location: 11p15.4.
Variant type: single nucleotide variant.
Coding change: c.137A>G on transcript NM_001122630.2 (MANE Select); coding-DNA position 137, A replaced by G.
Protein change: p.Asp46Gly; replaces aspartic acid 46 with glycine.
Molecular consequence: missense variant.
Genome position (GRCh38, 1-based): chr11:2,885,320, T>C on the plus strand (A>G on the coding strand, the complement: CDKN1C is on the minus strand). VCF-style: chr11-2885320-T-C. GRCh37 (hg19) VCF-style: chr11-2906550-T-C.
Other names: c.170A>G, p.Asp57Gly (NM_000076.2, NM_001362474.2); c.137A>G, p.Asp46Gly (NM_001122631.2, NM_001362475.2); short protein forms D57G, D46G.
Identifiers: ClinVar variation 1391547 (VCV001391547.8), dbSNP rs2133786030, ClinGen allele CA379147526.

ClinVar aggregate classification (germline): Uncertain significance (1 of 4 stars; one submission).

Conditions:
Beckwith-Wiedemann syndrome (BWS). Also called: EMG SYNDROME; Exomphalos macroglossia gigantism syndrome. Identifiers: Orphanet 116, MedGen C0004903, MONDO:0007534, OMIM 130650.

Submission:

Labcorp Genetics (formerly Invitae), Labcorp
Classification: Uncertain significance for Beckwith-Wiedemann syndrome. Last evaluated: 2021-04-28. Review status: criteria provided, single submitter. Criteria: Invitae Variant Classification Sherloc (09022015). Collection method: clinical testing. Allele origin: germline.
Comment: This sequence change replaces aspartic acid with glycine at codon 57 of the CDKN1C protein (p.Asp57Gly). The aspartic acid residue is highly conserved and there is a moderate physicochemical difference between aspartic acid and glycine. This variant is not present in population databases (ExAC no frequency). This variant has not been reported in the literature in individuals with CDKN1C-related conditions. Algorithms developed to predict the effect of missense changes on protein structure and function (SIFT, PolyPhen-2, Align-GVGD) all suggest that this variant is likely to be disruptive, but these predictions have not been confirmed by published functional studies and their clinical significance is uncertain. In summary, the available evidence is currently insufficient to determine the role of this variant in disease. Therefore, it has been classified as a Variant of Uncertain Significance.